The following is an entry in ClinVar:

ClinVar aggregate classification (germline): Benign. Review status: criteria provided, multiple submitters, no conflicts (2 of 4 stars). 2 submissions from 2 submitters: Benign (2). Last evaluated 2026-02-04.

Conditions:
Xeroderma pigmentosum variant type. Also called: POLH-Related Xeroderma Pigmentosum; PHOTOSENSITIVITY WITH DEFECTIVE DNA SYNTHESIS; XERODERMA PIGMENTOSUM WITH NORMAL DNA REPAIR RATES. Identifiers: Orphanet 90342, MedGen C1848410, MONDO:0010214, OMIM 278750.

Allele frequency attached by ClinVar (database versions not stated): gnomAD 0.00001 and 0.00061; gnomAD exomes 0.00195; ExAC 0.00223; 1000 Genomes Project 30x 0.00281; 1000 Genomes Project 0.00339.
gnomAD v4.1: 1,536 of 1,603,170 alleles (0.096%); highest among the groups gnomAD compares: South Asian, 1.6%; 24 homozygotes.

Submissions (2):

Labcorp Genetics (formerly Invitae), Labcorp
Classification: Benign. Last evaluated: 2026-02-04. Review status: criteria provided, single submitter. Criteria: Invitae Variant Classification Sherloc (09022015). Collection method: clinical testing. Allele origin: germline.

Illumina Laboratory Services, Illumina
Classification: Benign for Xeroderma pigmentosum variant type. Last evaluated: 2018-01-12. Review status: criteria provided, single submitter. Criteria: ICSL Variant Classification Criteria 13 December 2019. Collection method: clinical testing. Allele origin: germline.
Comment: This variant was observed in the ICSL laboratory as part of a predisposition screen in an ostensibly healthy population. It had not been previously curated by ICSL or reported in the Human Gene Mutation Database (HGMD: prior to June 1st, 2018), and was therefore a candidate for classification through an automated scoring system. Utilizing variant allele frequency, disease prevalence and penetrance estimates, and inheritance mode, an automated score was calculated to assess if this variant is too frequent to cause the disease. Based on the score and internal cut-off values, a variant classified as benign is not then subjected to further curation. The score for this variant resulted in a classification of benign for this disease.

NM_006502.3(POLH):c.660+10A>C

Gene: POLH (DNA polymerase eta; plus strand). Cytogenetic location: 6p21.1.
Variant type: single nucleotide variant.
Coding change: c.660+10A>C on transcript NM_006502.3 (MANE Select); 10 bases into the intron after coding-DNA position 660, A replaced by C.
Molecular consequence: intron variant.
Genome position (GRCh38, 1-based): chr6:43,597,875, A>C. VCF-style: chr6-43597875-A-C. GRCh37 (hg19) VCF-style: chr6-43565612-A-C.
Other names: c.660+10A>C (NM_001291970.2); c.288+10A>C (NM_001291969.2).
Identifiers: ClinVar variation 356900 (VCV000356900.10), dbSNP rs56056074, ClinGen allele CA3827037.